The following is an entry in ClinVar:

ClinVar aggregate classification (germline): Likely benign. Review status: criteria provided, multiple submitters, no conflicts (2 of 4 stars). 2 submissions from 2 submitters: Likely benign (2). Last evaluated 2025-04-01.

Allele frequency attached by ClinVar (database versions not stated): TOPMed 0.00007; ExAC 0.00011; gnomAD exomes 0.00017.

Submissions (2):

CeGaT Center for Human Genetics Tuebingen
Classification: Likely benign. Last evaluated: 2025-04-01. Review status: criteria provided, single submitter. Criteria: CeGaT Center For Human Genetics Tuebingen Variant Classification Criteria Version 2. Collection method: clinical testing. Allele origin: germline. Affected: yes. Observed: 1 variant allele.
Comment: SHANK3: BP4

GeneDx
Classification: Likely benign. Last evaluated: 2020-08-28. Review status: criteria provided, single submitter. Criteria: GeneDx Variant Classification Process June 2021. Collection method: clinical testing. Allele origin: germline. Affected: yes.
Comment: This variant is associated with the following publications: (PMID: 17173049)

NM_001372044.2(SHANK3):c.3917G>A (p.Arg1306His)

Gene: SHANK3 (SH3 and multiple ankyrin repeat domains 3; plus strand). Cytogenetic location: 22q13.33.
Variant type: single nucleotide variant.
Coding change: c.3917G>A on transcript NM_001372044.2 (MANE Select); coding-DNA position 3917, G replaced by A.
Protein change: p.Arg1306His; replaces arginine 1306 with histidine.
Molecular consequence: missense variant.
Genome position (GRCh38, 1-based): chr22:50,721,525, G>A. VCF-style: chr22-50721525-G-A. GRCh37 (hg19) VCF-style: chr22-51159953-G-A.
Other names: c.3692G>A (NM_033517.1); short protein forms R1306H.
Identifiers: ClinVar variation 1204143 (VCV001204143.10), dbSNP rs750186589, ClinGen allele CA10326110.